The following is an entry in ClinVar:

NM_001367624.2(ZNF469):c.9509G>C (p.Ser3170Thr)

Gene: ZNF469 (zinc finger protein 469; plus strand). Cytogenetic location: 16q24.2.
Variant type: single nucleotide variant.
Coding change: c.9509G>C on transcript NM_001367624.2 (MANE Select); coding-DNA position 9509, G replaced by C.
Protein change: p.Ser3170Thr; replaces serine 3170 with threonine.
Molecular consequence: missense variant.
Genome position (GRCh38, 1-based): chr16:88,436,979, G>C. VCF-style: chr16-88436979-G-C. GRCh37 (hg19) VCF-style: chr16-88503387-G-C.
Other names: NM_001127464.1:c.9425G>C; NM_001127464.2:c.9425G>C; short protein forms S3170T.
Identifiers: ClinVar variation 2339030 (VCV002339030.3), dbSNP rs954613150, ClinGen allele CA286385498.

ClinVar aggregate classification (germline): Uncertain significance. Review status: criteria provided, multiple submitters, no conflicts (2 of 4 stars). 2 submissions from 2 submitters: Uncertain significance (2). Last evaluated 2026-06-21.

Conditions:
ZNF469-related disorder. Also called: ZNF469-related condition.
Cardiovascular phenotype. Identifiers: MedGen CN230736.

Allele frequency attached by ClinVar (database versions not stated): gnomAD 0.00005.
gnomAD v4.1: 11 of 1,513,150 alleles (0.00073%); highest among the groups gnomAD compares: African/African-American, 0.014%; no homozygotes.

Submissions (2):

PreventionGenetics, part of Exact Sciences
Classification: Uncertain significance for ZNF469-related condition. Last evaluated: 2026-06-21. Review status: criteria provided, single submitter. Criteria: ACMG Guidelines, 2015. Collection method: clinical testing. Allele origin: germline.
Comment: The ZNF469 c.9425G>C variant is predicted to result in the amino acid substitution p.Ser3142Thr. To our knowledge, this variant has not been reported in the literature. This variant is reported in 0.023% of alleles in individuals of African descent in gnomAD. At this time, the clinical significance of this variant is uncertain due to the absence of conclusive functional and genetic evidence.

Ambry Genetics
Classification: Uncertain significance for Cardiovascular phenotype. Last evaluated: 2022-01-03. Review status: criteria provided, single submitter. Criteria: Ambry Variant Classification Scheme 2023. Collection method: clinical testing. Allele origin: germline.